The following is an entry in ClinVar:

NM_032578.4(MYPN):c.2116_2119dup (p.Ser707fs)

Gene: MYPN (myopalladin; plus strand). Cytogenetic location: 10q21.3.
Variant type: Duplication.
Coding change: c.2116_2119dup on transcript NM_032578.4 (MANE Select); coding-DNA positions 2116 to 2119, 4 bases duplicated (TCCA; older notation c.2116_2119dupTCCA).
Protein change: p.Ser707fs; shifts the reading frame from serine 707.
Molecular consequence: frameshift variant. On other transcripts: non-coding transcript variant (2).
Genome position (GRCh38, 1-based): chr10:68,174,208-68,174,211, TCCA duplicated; duplicating any 4 consecutive bases within chr10:68,174,206-68,174,211 gives the same sequence; the c. name uses the placement nearest the transcript's 3' end. VCF-style (leftmost placement, unchanged base first): chr10-68174205-A-ACATC. GRCh37 (hg19) VCF-style: chr10-69933962-A-ACATC.
Other names: c.2116_2119dup, p.Ser707fs (NM_001256267.2); c.1234_1237dup, p.Ser413fs (NM_001256268.2); short protein forms S413fs, S707fs.
Identifiers: ClinVar variation 3916695 (VCV003916695.1).
Genomic context (GRCh38, chr10:68,174,205, plus strand): 5'-CCTAAGGAGTTTCCTTTCAGCATGACTGTTTTGAACTCCAATGCTCCCCCAGCGGTGACA[A>ACATC]CATCCAGTAAGCAGGTGAAGGCTCCTTCATCACAGACGTTCAGCTTGGCCCGGCCGAAGT-3'

ClinVar aggregate classification (germline): Pathogenic (1 of 4 stars; one submission).

Conditions:
Cardiovascular phenotype. Identifiers: MedGen CN230736.

Submission:

Ambry Genetics
Classification: Pathogenic for Cardiovascular phenotype. Last evaluated: 2025-05-26. Review status: criteria provided, single submitter. Criteria: Ambry Variant Classification Scheme 2023. Collection method: clinical testing. Allele origin: germline.
Comment: The c.2116_2119dupTCCA pathogenic mutation, located in coding exon 10 of the MYPN gene, results from a duplication of TCCA at nucleotide position 2116, causing a translational frameshift with a predicted alternate stop codon (p.S707Ifs*3). This variant is considered to be rare based on population cohorts in the Genome Aggregation Database (gnomAD). This alteration is expected to result in loss of function by premature protein truncation or nonsense-mediated mRNA decay. As such, this alteration is interpreted as a disease-causing mutation.